The following is an entry in ClinVar:

ClinVar aggregate classification (germline): Uncertain significance (1 of 4 stars; one submission).

Allele frequency attached by ClinVar (database versions not stated): gnomAD exomes below 0.00001; ExAC 0.00001.
gnomAD v4.1: 1 of 1,611,030 alleles (0.000062%); highest among the groups gnomAD compares: Non-Finnish European, 0.000085%; no homozygotes.

Submission:

Labcorp Genetics (formerly Invitae), Labcorp
Classification: Uncertain significance. Last evaluated: 2023-10-17. Review status: criteria provided, single submitter. Criteria: Invitae Variant Classification Sherloc (09022015). Collection method: clinical testing. Allele origin: germline.
Comment: This sequence change replaces valine, which is neutral and non-polar, with methionine, which is neutral and non-polar, at codon 471 of the POLE2 protein (p.Val471Met). This variant is present in population databases (rs772708908, gnomAD 0.0009%). This variant has not been reported in the literature in individuals affected with POLE2-related conditions. An algorithm developed to predict the effect of missense changes on protein structure and function (PolyPhen-2) suggests that this variant is likely to be disruptive. In summary, the available evidence is currently insufficient to determine the role of this variant in disease. Therefore, it has been classified as a Variant of Uncertain Significance.

NM_002692.4(POLE2):c.1411G>A (p.Val471Met)

Gene: POLE2 (DNA polymerase epsilon 2, accessory subunit; minus strand). Cytogenetic location: 14q21.3.
Variant type: single nucleotide variant.
Coding change: c.1411G>A on transcript NM_002692.4 (MANE Select); coding-DNA position 1411, G replaced by A.
Protein change: p.Val471Met; replaces valine 471 with methionine.
Molecular consequence: missense variant.
Genome position (GRCh38, 1-based): chr14:49,650,351, C>T on the plus strand (G>A on the coding strand, the complement: POLE2 is on the minus strand). VCF-style: chr14-49650351-C-T. GRCh37 (hg19) VCF-style: chr14-50117069-C-T.
Other names: c.1333G>A, p.Val445Met (NM_001197330.2); c.1411G>A, p.Val471Met (NM_001197331.3); c.1408G>A, p.Val470Met (NM_001348384.2); c.1180G>A, p.Val394Met (NM_001348385.2); short protein forms V445M, V394M, V471M, V470M.
Identifiers: ClinVar variation 2769593 (VCV002769593.3), dbSNP rs772708908, ClinGen allele CA7173277.
Genomic context (GRCh38, chr14:49,650,351, plus strand): 5'-TTGTCGTAGTGAAAGGATCATATTTGTCTGCAATGACAAGTAGATCGGGCACAGGATACA[C>T]TCTCAAAGCATAGTCATATGCCCAATACACTGGGCAGACATAAAGAGGTAGGGGAGTCAG-3'
Protein context (NP_002683.2, residues 461-481): VYWAYDYALR[Val471Met]YPVPDLLVIA